The following is an entry in ClinVar:

NM_005481.3(MED16):c.697G>A (p.Gly233Ser)

Gene: MED16 (mediator complex subunit 16; minus strand). Cytogenetic location: 19p13.3.
Variant type: single nucleotide variant.
Coding change: c.697G>A on transcript NM_005481.3 (MANE Select); coding-DNA position 697, G replaced by A.
Protein change: p.Gly233Ser; replaces glycine 233 with serine.
Molecular consequence: missense variant.
Genome position (GRCh38, 1-based): chr19:885,952, C>T on the plus strand (G>A on the coding strand, the complement: MED16 is on the minus strand). VCF-style: chr19-885952-C-T. GRCh37 (hg19) VCF-style: chr19-885952-C-T.
Other names: short protein forms G233S.
Identifiers: ClinVar variation 4859868 (VCV004859868.1).

ClinVar aggregate classification (germline): Uncertain significance (1 of 4 stars; one submission).

gnomAD v4.1: 7 of 1,612,502 alleles (0.00043%); highest among the groups gnomAD compares: East Asian, 0.0045%; no homozygotes.

Submission:

Ambry Genetics
Classification: Uncertain significance. Last evaluated: 2026-04-06. Review status: criteria provided, single submitter. Criteria: Ambry Variant Classification Scheme 2023. Collection method: clinical testing. Allele origin: germline.
Comment: The c.697G>A (p.G233S) alteration is located in exon 5 (coding exon 4) of the MED16 gene. This alteration results from a G to A substitution at nucleotide position 697, causing the glycine (G) at amino acid position 233 to be replaced by a serine (S). Based on data from gnomAD, the A allele has an overall frequency of 0.001% (2/243436) total alleles studied. The highest observed frequency was 0.006% (1/17906) of East Asian alleles. Based on insufficient or conflicting evidence, the clinical significance of this alteration remains unclear.